The following is an entry in ClinVar:

NM_001009944.3(PKD1):c.11874C>T (p.Ala3958=)

Gene: PKD1 (polycystin 1, transient receptor potential channel interacting; minus strand). Cytogenetic location: 16p13.3.
Variant type: single nucleotide variant.
Coding change: c.11874C>T on transcript NM_001009944.3 (MANE Select); coding-DNA position 11874, C replaced by T.
Protein change: p.Ala3958=; no amino-acid change (alanine 3958 retained).
Molecular consequence: synonymous variant.
Genome position (GRCh38, 1-based): chr16:2,091,013, G>A on the plus strand (C>T on the coding strand, the complement: PKD1 is on the minus strand). VCF-style: chr16-2091013-G-A. GRCh37 (hg19) VCF-style: chr16-2141014-G-A.
Other names: c.11871C>T, p.Ala3957= (NM_000296.4).
Identifiers: ClinVar variation 3780170 (VCV003780170.2).

ClinVar aggregate classification (germline): Likely benign. Review status: criteria provided, multiple submitters, no conflicts (2 of 4 stars). 2 submissions from 2 submitters: Likely benign (2). Last evaluated 2026-08-19.

Conditions:
PKD1-related disorder. Also called: PKD1-related condition.
Polycystic kidney disease, adult type (PKD1). Also called: Polycystic Kidney Disease 1, Autosomal Dominant; Polycystic kidney disease 1; Polycystic kidney disease 1, severe; POLYCYSTIC KIDNEY DISEASE 1 WITH OR WITHOUT POLYCYSTIC LIVER DISEASE; Polycystic Kidney, Autosomal Dominant; POLYCYSTIC KIDNEY DISEASE, ADULT, TYPE I. Identifiers: MedGen C3149841, MONDO:0008263, OMIM 173900.

gnomAD v4.1: 13 of 1,533,698 alleles (0.00085%); highest among the groups gnomAD compares: South Asian, 0.0012%; no homozygotes.

Submissions (2):

PreventionGenetics, part of Exact Sciences
Classification: Likely benign for PKD1-related condition. Last evaluated: 2026-08-19. Review status: criteria provided, single submitter. Criteria: ACMG Guidelines, 2015. Collection method: clinical testing. Allele origin: germline.
Comment: This variant is classified as likely benign based on ACMG/AMP sequence variant interpretation guidelines (Richards et al. 2015 PMID: 25741868, with internal and published modifications).

Department of Pathology and Laboratory Medicine, Sinai Health System
Classification: Likely benign for Polycystic kidney disease, adult type. Last evaluated: 2022-10-12. Review status: criteria provided, single submitter. Criteria: ACMG Guidelines, 2015. Collection method: clinical testing. Allele origin: germline.